The following is an entry in ClinVar:

NM_015425.6(POLR1A):c.1552G>T (p.Val518Leu)

Gene: POLR1A (RNA polymerase I subunit A; minus strand). Cytogenetic location: 2p11.2.
Variant type: single nucleotide variant.
Coding change: c.1552G>T on transcript NM_015425.6 (MANE Select); coding-DNA position 1552, G replaced by T.
Protein change: p.Val518Leu; replaces valine 518 with leucine.
Molecular consequence: missense variant.
Genome position (GRCh38, 1-based): chr2:86,075,089, C>A on the plus strand (G>T on the coding strand, the complement: POLR1A is on the minus strand). VCF-style: chr2-86075089-C-A. GRCh37 (hg19) VCF-style: chr2-86302212-C-A.
Other names: short protein forms V518L.
Identifiers: ClinVar variation 1946424 (VCV001946424.5), dbSNP rs780248678, ClinGen allele CA347550349.

ClinVar aggregate classification (germline): Uncertain significance (1 of 4 stars; one submission).

gnomAD v4.1: 4 of 1,612,428 alleles (0.00025%); highest among the groups gnomAD compares: Non-Finnish European, 0.00034%; no homozygotes.

Submission:

Labcorp Genetics (formerly Invitae), Labcorp
Classification: Uncertain significance. Last evaluated: 2022-02-03. Review status: criteria provided, single submitter. Criteria: Invitae Variant Classification Sherloc (09022015). Collection method: clinical testing. Allele origin: germline.
Comment: In summary, the available evidence is currently insufficient to determine the role of this variant in disease. Therefore, it has been classified as a Variant of Uncertain Significance. Algorithms developed to predict the effect of missense changes on protein structure and function are either unavailable or do not agree on the potential impact of this missense change (SIFT: "Not Available"; PolyPhen-2: "Possibly Damaging"; Align-GVGD: "Not Available"). This variant has not been reported in the literature in individuals affected with POLR1A-related conditions. This variant is not present in population databases (gnomAD no frequency). This sequence change replaces valine, which is neutral and non-polar, with leucine, which is neutral and non-polar, at codon 518 of the POLR1A protein (p.Val518Leu).